The following is an entry in ClinVar:

ClinVar aggregate classification (germline): Conflicting classifications of pathogenicity. Review status: criteria provided, conflicting classifications (1 of 4 stars). 4 submissions from 4 submitters: Uncertain significance (2); Likely benign (2). Last evaluated 2026-06-20.

Conditions:
RPGR-related disorder. Also called: RPGR-related condition.
Primary ciliary dyskinesia. Also called: Ciliary dyskinesia. Identifiers: Orphanet 244, MedGen C0008780, MONDO:0016575, HP:0012265.

Allele frequency attached by ClinVar (database versions not stated): gnomAD exomes 0.00001 and 0.00002; ExAC 0.00002; gnomAD 0.00010 and 0.00012; TOPMed 0.00011; ESP Exome Variant Server 0.00019.
gnomAD v4.1: 31 of 1,208,319 alleles (0.0026%); highest among the groups gnomAD compares: African/African-American, 0.051%; 1 homozygote.

Submissions (4):

PreventionGenetics, part of Exact Sciences
Classification: Uncertain significance for RPGR-related condition. Last evaluated: 2026-06-20. Review status: criteria provided, single submitter. Criteria: ACMG Guidelines, 2015. Collection method: clinical testing. Allele origin: germline.
Comment: The RPGR c.1371G>C variant is predicted to result in the amino acid substitution p.Glu457Asp. To our knowledge, this variant has not been reported in the literature. This variant is reported in 0.016% of alleles in individuals of African descent in gnomAD, including 10 hemizygotes in the newest version of the database (v4.1), which may be too frequent to be a primary cause of disease. Although we suspect that this variant may be benign, at this time, the clinical significance of this variant is uncertain due to the absence of conclusive functional and genetic evidence.

Labcorp Genetics (formerly Invitae), Labcorp
Classification: Likely benign for Primary ciliary dyskinesia. Last evaluated: 2025-10-05. Review status: criteria provided, single submitter. Criteria: Invitae Variant Classification Sherloc (09022015). Collection method: clinical testing. Allele origin: germline.

Ambry Genetics
Classification: Uncertain significance for Primary ciliary dyskinesia. Last evaluated: 2024-10-07. Review status: criteria provided, single submitter. Criteria: Ambry Variant Classification Scheme 2023. Collection method: clinical testing. Allele origin: germline.
Comment: The p.E457D variant (also known as c.1371G>C), located in coding exon 11 of the RPGR gene, results from a G to C substitution at nucleotide position 1371. The glutamic acid at codon 457 is replaced by aspartic acid, an amino acid with highly similar properties. Based on data from gnomAD, the C allele has an overall frequency of 0.0015% (3/205073) total alleles studied, with 1 hemizygote(s) observed. The highest observed frequency was 0.0159% (3/18917) of African alleles. This amino acid position is conserved. In addition, this alteration is predicted to be tolerated by in silico analysis. Based on the available evidence, the clinical significance of this variant remains unclear.

Blueprint Genetics
Classification: Likely benign. Last evaluated: 2022-09-19. Review status: criteria provided, single submitter. Criteria: ACMG Guidelines, 2015. Collection method: clinical testing. Allele origin: germline.

NM_001034853.2(RPGR):c.1371G>C (p.Glu457Asp)

Gene: RPGR (retinitis pigmentosa GTPase regulator; minus strand). Cytogenetic location: Xp11.4.
Variant type: single nucleotide variant.
Coding change: c.1371G>C on transcript NM_001034853.2 (MANE Select); coding-DNA position 1371, G replaced by C.
Protein change: p.Glu457Asp; replaces glutamic acid 457 with aspartic acid.
Molecular consequence: missense variant. On other transcripts: non-coding transcript variant (6).
Genome position (GRCh38, 1-based): chrX:38,297,327, C>G on the plus strand (G>C on the coding strand, the complement: RPGR is on the minus strand). VCF-style: chrX-38297327-C-G. GRCh37 (hg19) VCF-style: chrX-38156580-C-G.
Other names: c.1371G>C (NM_001034853.1); c.1371G>C, p.Glu457Asp (NM_000328.3, NM_001367247.1); c.1368G>C, p.Glu456Asp (NM_001367245.1, NM_001367249.1, NM_001367250.1); c.1185G>C, p.Glu395Asp (NM_001367246.1, NM_001367251.1); c.1401G>C, p.Glu467Asp (NM_001367248.1); short protein forms E395D, E467D, E456D, E457D.
Identifiers: ClinVar variation 969850 (VCV000969850.13), dbSNP rs371226433, ClinGen allele CA10385488.